The following is an entry in ClinVar:

NM_014423.4(AFF4):c.458G>A (p.Arg153His)

Gene: AFF4 (ALF transcription elongation factor 4; minus strand). Cytogenetic location: 5q31.1.
Variant type: single nucleotide variant.
Coding change: c.458G>A on transcript NM_014423.4 (MANE Select); coding-DNA position 458, G replaced by A.
Protein change: p.Arg153His; replaces arginine 153 with histidine.
Molecular consequence: missense variant.
Genome position (GRCh38, 1-based): chr5:132,934,607, C>T on the plus strand (G>A on the coding strand, the complement: AFF4 is on the minus strand). VCF-style: chr5-132934607-C-T. GRCh37 (hg19) VCF-style: chr5-132270299-C-T.
Other names: c.458G>A (NM_014423.3); short protein forms R153H.
Identifiers: ClinVar variation 2199236 (VCV002199236.8), dbSNP rs754241942, ClinGen allele CA3409431.
Genomic context (GRCh38, chr5:132,934,607, plus strand): 5'-TGTTCTGATCCATGCTGGCCTTTTTTCCGGCTACTGCTCCCACTATTGTTATATGACTCA[C>T]GGTCGTGCCTCTGACCACTACTGTTAGTGCCACTACTGCTACCTGCGCTGGTCCGCTGGC-3'
Protein context (NP_055238.1, residues 143-163): GTNSSGQRHD[Arg153His]ESYNNSGSSS

ClinVar aggregate classification (germline): Uncertain significance. Review status: criteria provided, multiple submitters, no conflicts (2 of 4 stars). 3 submissions from 3 submitters: Uncertain significance (3). Last evaluated 2026-02-17.

Conditions:
Inborn genetic diseases. Identifiers: MedGen C0950123, MeSH D030342.
Cognitive impairment - coarse facies - heart defects - obesity - pulmonary involvement - short stature - skeletal dysplasia syndrome. Also called: COGNITIVE IMPAIRMENT, COARSE FACIES, HEART DEFECTS, OBESITY, PULMONARY INVOLVEMENT, SHORT STATURE, AND SKELETAL DYSPLASIA; Chops syndrome; AFF4-Related CHOPS Syndrome. Identifiers: Orphanet 444077, MedGen C4085597, MONDO:0014609, OMIM 616368.
AFF4-related disorder. Also called: AFF4-related condition.

Allele frequency attached by ClinVar (database versions not stated): gnomAD exomes 0.00001; ExAC 0.00002; TOPMed 0.00002; gnomAD 0.00003.
gnomAD v4.1: 17 of 1,614,018 alleles (0.0011%); highest among the groups gnomAD compares: Admixed American, 0.0083%; no homozygotes.

Submissions (3):

PreventionGenetics, part of Exact Sciences
Classification: Uncertain significance for AFF4-related condition. Last evaluated: 2026-02-17. Review status: criteria provided, single submitter. Criteria: ACMG Guidelines, 2015. Collection method: clinical testing. Allele origin: germline.
Comment: The AFF4 c.458G>A variant is predicted to result in the amino acid substitution p.Arg153His. To our knowledge, this variant has not been reported in the literature. This variant is reported in 0.0085% of alleles in individuals of Latino descent in gnomAD. At this time, the clinical significance of this variant is uncertain due to the absence of conclusive functional and genetic evidence.

Labcorp Genetics (formerly Invitae), Labcorp
Classification: Uncertain significance for Cognitive impairment - coarse facies - heart defects - obesity - pulmonary involvement - short stature - skeletal dysplasia syndrome. Last evaluated: 2025-11-06. Review status: criteria provided, single submitter. Criteria: Invitae Variant Classification Sherloc (09022015). Collection method: clinical testing. Allele origin: germline.
Comment: This sequence change replaces arginine, which is basic and polar, with histidine, which is basic and polar, at codon 153 of the AFF4 protein (p.Arg153His). This variant is present in population databases (rs754241942, gnomAD 0.009%). This variant has not been reported in the literature in individuals affected with AFF4-related conditions. ClinVar contains an entry for this variant (Variation ID: 2199236). An algorithm developed to predict the effect of missense changes on protein structure and function (PolyPhen-2) suggests that this variant is likely to be disruptive. In summary, the available evidence is currently insufficient to determine the role of this variant in disease. Therefore, it has been classified as a Variant of Uncertain Significance.

Ambry Genetics
Classification: Uncertain significance for Inborn genetic diseases. Last evaluated: 2025-03-11. Review status: criteria provided, single submitter. Criteria: Ambry Variant Classification Scheme 2023. Collection method: clinical testing. Allele origin: germline.